The following is an entry in ClinVar:

NM_182931.3(KMT2E):c.4148C>G (p.Thr1383Arg)

Gene: KMT2E (lysine methyltransferase 2E (inactive); plus strand). Cytogenetic location: 7q22.3.
Variant type: single nucleotide variant.
Coding change: c.4148C>G on transcript NM_182931.3 (MANE Select); coding-DNA position 4148, C replaced by G.
Protein change: p.Thr1383Arg; replaces threonine 1383 with arginine.
Molecular consequence: missense variant.
Genome position (GRCh38, 1-based): chr7:105,111,904, C>G. VCF-style: chr7-105111904-C-G. GRCh37 (hg19) VCF-style: chr7-104752351-C-G.
Other names: c.4148C>G (NM_182931.2); c.4022C>G, p.Thr1341Arg (NM_001410908.1); c.4148C>G, p.Thr1383Arg (NM_018682.4); short protein forms T1341R, T1383R.
Identifiers: ClinVar variation 1972484 (VCV001972484.13), dbSNP rs766042297, ClinGen allele CA4424690.
Genomic context (GRCh38, chr7:105,111,904, plus strand): 5'-TAATTCCTGCTCAAGCACACGGGAAAATATTCACAAAACCAGATCCCCAATGGGACTCCA[C>G]AGTTAGTGCATCCGAAGCTGAAAATGGTGTTCACCTAAAAACAGAGCTCCAACAAAAACA-3'
Protein context (NP_891847.1, residues 1373-1393): FTKPDPQWDS[Thr1383Arg]VSASEAENGV

ClinVar aggregate classification (germline): Conflicting classifications of pathogenicity. Review status: criteria provided, conflicting classifications (1 of 4 stars). 3 submissions from 3 submitters: Uncertain significance (2); Likely benign (1). Last evaluated 2026-01-13.

Conditions:
Inborn genetic diseases. Identifiers: MedGen C0950123, MeSH D030342.

Allele frequency attached by ClinVar (database versions not stated): ExAC 0.00002; gnomAD exomes 0.00003; TOPMed 0.00004.
gnomAD v4.1: 42 of 1,614,066 alleles (0.0026%); highest among the groups gnomAD compares: Non-Finnish European, 0.0033%; no homozygotes.

Submissions (3):

Labcorp Genetics (formerly Invitae), Labcorp
Classification: Uncertain significance. Last evaluated: 2026-01-13. Review status: criteria provided, single submitter. Criteria: Invitae Variant Classification Sherloc (09022015). Collection method: clinical testing. Allele origin: germline.
Comment: This sequence change replaces threonine, which is neutral and polar, with arginine, which is basic and polar, at codon 1383 of the KMT2E protein (p.Thr1383Arg). This variant is present in population databases (rs766042297, gnomAD 0.01%). This variant has not been reported in the literature in individuals affected with KMT2E-related conditions. ClinVar contains an entry for this variant (Variation ID: 1972484). Invitae Evidence Modeling of protein sequence and biophysical properties (such as structural, functional, and spatial information, amino acid conservation, physicochemical variation, residue mobility, and thermodynamic stability) indicates that this missense variant is not expected to disrupt KMT2E protein function with a negative predictive value of 80%. In summary, the available evidence is currently insufficient to determine the role of this variant in disease. Therefore, it has been classified as a Variant of Uncertain Significance.

Ambry Genetics
Classification: Likely benign for Inborn genetic diseases. Last evaluated: 2025-08-21. Review status: criteria provided, single submitter. Criteria: Ambry Variant Classification Scheme 2023. Collection method: clinical testing. Allele origin: germline.

CeGaT Center for Human Genetics Tuebingen
Classification: Uncertain significance. Last evaluated: 2025-04-01. Review status: criteria provided, single submitter. Criteria: CeGaT Center For Human Genetics Tuebingen Variant Classification Criteria Version 2. Collection method: clinical testing. Allele origin: germline. Affected: yes. Observed: 1 variant allele.